The following is an entry in ClinVar:

NM_172362.3(KCNH1):c.2358C>A (p.Ser786Arg)

Gene: KCNH1 (potassium voltage-gated channel subfamily H member 1; minus strand). Cytogenetic location: 1q32.2.
Variant type: single nucleotide variant.
Coding change: c.2358C>A on transcript NM_172362.3 (MANE Select); coding-DNA position 2358, C replaced by A.
Protein change: p.Ser786Arg; replaces serine 786 with arginine.
Molecular consequence: missense variant.
Genome position (GRCh38, 1-based): chr1:210,683,893, G>T on the plus strand (C>A on the coding strand, the complement: KCNH1 is on the minus strand). VCF-style: chr1-210683893-G-T. GRCh37 (hg19) VCF-style: chr1-210857235-G-T.
Other names: c.2277C>A, p.Ser759Arg (NM_002238.4); short protein forms S759R, S786R.
Identifiers: ClinVar variation 3061252 (VCV003061252.3), dbSNP rs369836518, ClinGen allele CA1379692.
Genomic context (GRCh38, chr1:210,683,893, plus strand): 5'-GGAGGTGGAGGCTGCCTGGAAGGATACGGGCGTGGCAGGACTCTCACGCACGGTGACCAC[G>T]CTGGCCTTCACGAGGCTGTGGTTGGCGGAGGCATGCTCTGTAAGGACATTGCCCTTCTCC-3'
Protein context (NP_758872.1, residues 776-796): ASANHSLVKA[Ser786Arg]VVTVRESPAT

ClinVar aggregate classification (germline): Uncertain significance. Review status: criteria provided, single submitter (1 of 4 stars). 2 submissions from 2 submitters: Uncertain significance (1). 1 of the submissions does not count toward it. Last evaluated 2025-10-29.

Conditions:
Inborn genetic diseases. Identifiers: MedGen C0950123, MeSH D030342.
KCNH1-related disorder. Also called: KCNH1-related disorders; KCNH1-related condition.

gnomAD v4.1: 2 of 1,613,790 alleles (0.00012%); highest among the groups gnomAD compares: Non-Finnish European, 0.00017%; no homozygotes.

Submissions (2):

Ambry Genetics
Classification: Uncertain significance for Inborn genetic diseases. Last evaluated: 2025-10-29. Review status: criteria provided, single submitter. Criteria: Ambry Variant Classification Scheme 2023. Collection method: clinical testing. Allele origin: germline.

PreventionGenetics, part of Exact Sciences
Classification: Uncertain significance for KCNH1-related condition. Last evaluated: 2024-02-02. Review status: no assertion criteria provided. Collection method: clinical testing. Allele origin: germline. Not counted in ClinVar's aggregate classification.
Comment: The KCNH1 c.2358C>A variant is predicted to result in the amino acid substitution p.Ser786Arg. To our knowledge, this variant has not been reported in the literature. This variant is reported in 0.00088% of alleles in individuals of European (Non-Finnish) descent in gnomAD. At this time, the clinical significance of this variant is uncertain due to the absence of conclusive functional and genetic evidence.